The following is an entry in ClinVar:

NM_014639.4(SKIC3):c.3364A>G (p.Thr1122Ala)

Gene: SKIC3 (SKI3 subunit of superkiller complex; minus strand). Cytogenetic location: 5q15.
Variant type: single nucleotide variant.
Coding change: c.3364A>G on transcript NM_014639.4 (MANE Select); coding-DNA position 3364, A replaced by G.
Protein change: p.Thr1122Ala; replaces threonine 1122 with alanine.
Molecular consequence: missense variant.
Genome position (GRCh38, 1-based): chr5:95,498,569, T>C on the plus strand (A>G on the coding strand, the complement: SKIC3 is on the minus strand). VCF-style: chr5-95498569-T-C. GRCh37 (hg19) VCF-style: chr5-94834273-T-C.
Other names: short protein forms T1122A.
Identifiers: ClinVar variation 1976868 (VCV001976868.2), dbSNP rs1446501637, ClinGen allele CA360451241.

ClinVar aggregate classification (germline): Uncertain significance (1 of 4 stars; one submission).

Allele frequency attached by ClinVar (database versions not stated): gnomAD exomes below 0.00001.
gnomAD v4.1: 2 of 1,613,962 alleles (0.00012%); highest among the groups gnomAD compares: South Asian, 0.0011%; no homozygotes.

Submission:

Labcorp Genetics (formerly Invitae), Labcorp
Classification: Uncertain significance. Last evaluated: 2022-08-09. Review status: criteria provided, single submitter. Criteria: Invitae Variant Classification Sherloc (09022015). Collection method: clinical testing. Allele origin: germline.
Comment: This sequence change replaces threonine, which is neutral and polar, with alanine, which is neutral and non-polar, at codon 1122 of the TTC37 protein (p.Thr1122Ala). This variant is present in population databases (no rsID available, gnomAD 0.003%). This variant has not been reported in the literature in individuals affected with TTC37-related conditions. Algorithms developed to predict the effect of missense changes on protein structure and function output the following: SIFT: "Tolerated"; PolyPhen-2: "Benign"; Align-GVGD: "Class C0". The alanine amino acid residue is found in multiple mammalian species, which suggests that this missense change does not adversely affect protein function. In summary, the available evidence is currently insufficient to determine the role of this variant in disease. Therefore, it has been classified as a Variant of Uncertain Significance.